The following is an entry in ClinVar:

ClinVar aggregate classification (germline): Likely benign (0 of 4 stars; one submission).

Conditions:
SPG7-related disorder. Also called: SPG7-related condition.

Allele frequency attached by ClinVar (database versions not stated): ExAC 0.00001; gnomAD exomes 0.00001; TOPMed 0.00002; gnomAD 0.00004.
gnomAD v4.1: 23 of 1,613,336 alleles (0.0014%); highest among the groups gnomAD compares: African/African-American, 0.004%; no homozygotes.

Submission:

PreventionGenetics, part of Exact Sciences
Classification: Likely benign for SPG7-related condition. Last evaluated: 2019-08-20. Review status: no assertion criteria provided. Collection method: clinical testing. Allele origin: germline.
Comment: This variant is classified as likely benign based on ACMG/AMP sequence variant interpretation guidelines (Richards et al. 2015 PMID: 25741868, with internal and published modifications).

NM_003119.4(SPG7):c.1155C>T (p.Leu385=)

Gene: SPG7 (SPG7 matrix AAA peptidase subunit, paraplegin; plus strand). Cytogenetic location: 16q24.3.
Variant type: single nucleotide variant.
Coding change: c.1155C>T on transcript NM_003119.4 (MANE Select); coding-DNA position 1155, C replaced by T.
Protein change: p.Leu385=; no amino-acid change (leucine 385 retained).
Molecular consequence: synonymous variant.
Genome position (GRCh38, 1-based): chr16:89,532,467, C>T. VCF-style: chr16-89532467-C-T. GRCh37 (hg19) VCF-style: chr16-89598875-C-T.
Other names: c.1155C>T, p.Leu385= (NM_001363850.1, NM_199367.3).
Identifiers: ClinVar variation 3053852 (VCV003053852.2), dbSNP rs747473151, ClinGen allele CA8243978.
Genomic context (GRCh38, chr16:89,532,467, plus strand): 5'-AGAGGCTTTGTTTTTTATTAACTGCCCATTTCCTGATTCTCTCTGTGTCCCCTCAGGCCT[C>T]GGCGCTGCCCGTGTGCGGAGCCTCTTTAAGGAAGCCCGAGCCCGGGCCCCCTGCATCGTC-3'
Protein context (NP_003110.1, residues 375-395): GPEFVEVIGG[Leu385=]GAARVRSLFK